The following is an entry in ClinVar:

ClinVar aggregate classification (germline): Uncertain significance (1 of 4 stars; one submission).

Conditions:
Familial adenomatous polyposis 1 (FAP1). Also called: FAMILIAL ADENOMATOUS POLYPOSIS 1, ATTENUATED; POLYPOSIS, ADENOMATOUS INTESTINAL. Identifiers: MedGen C2713442, MONDO:0021056, OMIM 175100. Disease mechanism: loss of function.

Allele frequency attached by ClinVar (database versions not stated): TOPMed 0.00002.

Submission:

Labcorp Genetics (formerly Invitae), Labcorp
Classification: Uncertain significance for Familial adenomatous polyposis 1. Last evaluated: 2025-08-07. Review status: criteria provided, single submitter. Criteria: Invitae Variant Classification Sherloc (09022015). Collection method: clinical testing. Allele origin: germline.
Comment: This variant occurs in a non-coding region of the APC gene. It does not change the encoded amino acid sequence of the APC protein. This variant is not present in population databases (gnomAD no frequency). This variant has not been reported in the literature in individuals affected with APC-related conditions. ClinVar contains an entry for this variant (Variation ID: 652093). Experimental studies and prediction algorithms are not available or were not evaluated, and the functional significance of this variant is currently unknown. In summary, the available evidence is currently insufficient to determine the role of this variant in disease. Therefore, it has been classified as a Variant of Uncertain Significance.

NM_001127511.3(APC):c.-83C>G

Gene: APC (APC regulator of Wnt signaling pathway; plus strand). Cytogenetic location: 5q22.2.
Variant type: single nucleotide variant.
Coding change: c.-83C>G on transcript NM_001127511.3; 83 bases upstream of the start codon, C replaced by G.
Molecular consequence: 5 prime UTR variant. On other transcripts: non-coding transcript variant (2).
Genome position (GRCh38, 1-based): chr5:112,707,635, C>G. VCF-style: chr5-112707635-C-G. GRCh37 (hg19) VCF-style: chr5-112043332-C-G.
Other names: c.-266C>G (NM_001354895.2, NM_001407447.1, NM_001407452.1 and 3 more transcripts); c.-83C>G (NM_001354897.2, NM_001354902.2, NM_001407446.1); c.-33C>G (NM_001407448.1, NM_001407450.1, NM_001407457.1 and 1 more transcripts); c.-57C>G (NM_001407453.1); c.-1301C>G (NM_001407470.1, NM_001407472.1).
Identifiers: ClinVar variation 652093 (VCV000652093.9), dbSNP rs1306105402, ClinGen allele CA802057213.